The following is an entry in ClinVar:

NM_033380.3(COL4A5):c.1681G>A (p.Gly561Arg)

Gene: COL4A5 (collagen type IV alpha 5 chain; plus strand). Cytogenetic location: Xq22.3.
Variant type: single nucleotide variant.
Coding change: c.1681G>A on transcript NM_033380.3 (MANE Select); coding-DNA position 1681, G replaced by A.
Protein change: p.Gly561Arg; replaces glycine 561 with arginine.
Molecular consequence: missense variant.
Genome position (GRCh38, 1-based): chrX:108,597,470, G>A. VCF-style: chrX-108597470-G-A. GRCh37 (hg19) VCF-style: chrX-107840700-G-A.
Other names: c.1681G>A, p.Gly561Arg (NM_000495.5); c.1681G>A (NM_033380.1); short protein forms G561R.
Identifiers: ClinVar variation 1520175 (VCV001520175.6), dbSNP rs104886136, ClinGen allele CA258518.
Genomic context (GRCh38, chrX:108,597,470, plus strand): 5'-CCTGGATCTAAAGGTGAACCTGGTGATATCCTCACTTTTCCAGGAATGAAGGGTGACAAA[G>A]GAGAGTTGGGTTCCCCTGGAGCTCCAGGGCTTCCTGGTTTACCTGGCACTCCTGGACAGG-3'
Protein context (NP_203699.1, residues 551-571): LTFPGMKGDK[Gly561Arg]ELGSPGAPGL

ClinVar aggregate classification (germline): Pathogenic/Likely pathogenic. Review status: criteria provided, multiple submitters, no conflicts (2 of 4 stars). 2 submissions from 2 submitters: Pathogenic (1); Likely pathogenic (1). Last evaluated 2026-03-04.

Submissions (2):

GeneDx
Classification: Pathogenic. Last evaluated: 2026-03-04. Review status: criteria provided, single submitter. Criteria: GeneDx Variant Classification Process June 2021. Collection method: clinical testing. Allele origin: germline.
Comment: Affects a glycine residue in a Gly-X-Y motif in the triple helical region of the COL4A5 gene, where the majority of pathogenic missense variants occur, and is predicted to disrupt normal protein folding and function (HGMD; PMID: 10752524); Not observed at significant frequency in large population cohorts (gnomAD); In silico analysis supports that this missense variant has a deleterious effect on protein structure/function; This variant is associated with the following publications: (PMID: 10094548, 37248651, 10752524)

Labcorp Genetics (formerly Invitae), Labcorp
Classification: Likely pathogenic. Last evaluated: 2021-04-29. Review status: criteria provided, single submitter. Criteria: Invitae Variant Classification Sherloc (09022015). Collection method: clinical testing. Allele origin: germline.
Comment: This sequence change replaces glycine with arginine at codon 561 of the COL4A5 protein (p.Gly561Arg). The glycine residue is highly conserved and there is a moderate physicochemical difference between glycine and arginine. In summary, the currently available evidence indicates that the variant is pathogenic, but additional data are needed to prove that conclusively. Therefore, this variant has been classified as Likely Pathogenic. Glycine residues within the Gly-Xaa-Yaa repeats of the triple helix domain are required for the structure and stability of fibrillar collagens (PMID: 7695699, 8218237, 19344236). In COL4A5, missense variants at these glycine residues are significantly enriched in individuals with disease (PMID: 23720012, 27627812) compared to the general population (ExAC). Advanced modeling of protein sequence and biophysical properties (such as structural, functional, and spatial information, amino acid conservation, physicochemical variation, residue mobility, and thermodynamic stability) performed at Invitae indicates that this missense variant is expected to disrupt COL4A5 protein function. This variant has been observed in individual(s) with Alport syndrome (PMID: 10094548, Invitae). ClinVar contains an entry for this variant (Variation ID: 24435). This variant is not present in population databases (ExAC no frequency).

Literature cited by the submitters: PubMed 7695699 (cited by Labcorp Genetics (formerly Invitae), Labcorp); PubMed 8218237 (cited by Labcorp Genetics (formerly Invitae), Labcorp); PubMed 19344236 (cited by Labcorp Genetics (formerly Invitae), Labcorp); PubMed 23720012 (cited by Labcorp Genetics (formerly Invitae), Labcorp); PubMed 27627812 (cited by Labcorp Genetics (formerly Invitae), Labcorp); PubMed 10094548 (cited by Labcorp Genetics (formerly Invitae), Labcorp).